The following is an entry in ClinVar:

ClinVar aggregate classification (germline): Pathogenic (1 of 4 stars; one submission).

Conditions:
Familial cancer of breast. Also called: hereditary breast carcinoma; BREAST CANCER, FAMILIAL; Hereditary breast cancer. Identifiers: Orphanet 227535, MedGen C0346153, MONDO:0016419, OMIM 114480. Disease mechanism: loss of function.

Submission:

Myriad Genetics, Inc.
Classification: Pathogenic for Familial cancer of breast. Last evaluated: 2024-02-01. Review status: criteria provided, single submitter. Criteria: Myriad Autosomal Dominant, Autosomal Recessive and X-Linked Classification Criteria (2023). Collection method: clinical testing. Allele origin: unknown.
Comment: This variant is considered pathogenic. This variant creates a frameshift predicted to result in premature protein truncation.

NM_000051.4(ATM):c.7811_7815dup (p.Ile2606delinsGluTer)

Genes: ATM (ATM serine/threonine kinase; plus strand), C11orf65 (chromosome 11 open reading frame 65; minus strand). Cytogenetic location: 11q22.3.
Variant type: Duplication.
Coding change: c.7811_7815dup on transcript NM_000051.4 (MANE Select); coding-DNA positions 7811 to 7815, 5 bases duplicated (GAATA; older notation c.7811_7815dupGAATA).
Protein change: p.Ile2606delinsGluTer.
Molecular consequence: nonsense. On other transcripts: intron variant (2).
Genome position (GRCh38, 1-based): chr11:108,332,784-108,332,788, GAATA duplicated; duplicating any 5 consecutive bases within chr11:108,332,780-108,332,788 gives the same sequence; the c. name uses the placement nearest the transcript's 3' end. VCF-style (leftmost placement, unchanged base first): chr11-108332779-A-AAATAG. GRCh37 (hg19) VCF-style: chr11-108203506-A-AAATAG.
Other names: c.7811_7815dup, p.Ile2606delinsGluTer (NM_001351834.2); c.641-23713_641-23709dup (NM_001330368.2); c.*38+2436_*38+2440dup (NM_001351110.2).
Identifiers: ClinVar variation 3148375 (VCV003148375.1), dbSNP rs2547298280, ClinGen allele CA2825001972.